The following is an entry in ClinVar:

NM_000492.4(CFTR):c.1721C>A (p.Pro574His)

Gene: CFTR (CF transmembrane conductance regulator; plus strand). Cytogenetic location: 7q31.2.
Variant type: single nucleotide variant.
Coding change: c.1721C>A on transcript NM_000492.4 (MANE Select); coding-DNA position 1721, C replaced by A.
Protein change: p.Pro574His; replaces proline 574 with histidine.
Molecular consequence: missense variant.
Genome position (GRCh38, 1-based): chr7:117,590,394, C>A. VCF-style: chr7-117590394-C-A. GRCh37 (hg19) VCF-style: chr7-117230448-C-A.
Other names: short protein forms P574H.
Identifiers: ClinVar variation 7119 (VCV000007119.31), dbSNP rs121908758, ClinGen allele CA325523.

ClinVar aggregate classification (germline): Pathogenic. Review status: reviewed by expert panel (3 of 4 stars). 13 submissions from 11 submitters: Pathogenic (1). 12 of the submissions do not count toward it. Last evaluated 2017-12-08.

Conditions:
Cystic fibrosis (CF). Also called: MUCOVISCIDOSIS. Identifiers: Orphanet 586, MedGen C0010674, MONDO:0009061, OMIM 219700. Disease mechanism: loss of function.
CFTR-related disorder (CFTR-RD). Also called: CFTR-related condition; CFTR-related disorders. Identifiers: MedGen C5924204, MONDO:7770004.
Congenital bilateral aplasia of vas deferens from CFTR mutation (CBAVD). Identifiers: Orphanet 48, MedGen C0403814, MONDO:0010178, OMIM 277180. Disease mechanism: loss of function.
Hereditary pancreatitis (PCTT). Also called: Hereditary chronic pancreatitis; PRSS1-Related Hereditary Pancreatitis. Identifiers: Orphanet 676, MedGen C0238339, MONDO:0008185, OMIM 167800.
Bronchiectasis with or without elevated sweat chloride 1 (BESC1). Also called: Cystic Fibrosis-Like Syndrome. Identifiers: Orphanet 60033, MedGen C2749757, MONDO:0008887, OMIM 211400.

Allele frequency attached by ClinVar (database versions not stated): gnomAD 0.00001; gnomAD exomes 0.00001.
gnomAD v4.1: 9 of 1,603,090 alleles (0.00056%); highest among the groups gnomAD compares: African/African-American, 0.0013%; no homozygotes.

Submissions (13):

CFTR2
Classification: Pathogenic for Cystic fibrosis. Last evaluated: 2017-12-08. Review status: reviewed by expert panel. Criteria: Sosnay PR et al. (Nat Genet 2013). Collection method: research. Allele origin: germline. Affected: yes.

Ambry Genetics
Classification: Likely pathogenic for Cystic fibrosis. Last evaluated: 2025-10-20. Review status: criteria provided, single submitter. Criteria: Ambry Variant Classification Scheme 2023. Collection method: clinical testing. Allele origin: germline. Not counted in ClinVar's aggregate classification.
Comment: The p.P574H variant (also known as c.1721C>A), located in coding exon 13 of the CFTR gene, results from a C to A substitution at nucleotide position 1721. The proline at codon 574 is replaced by histidine, an amino acid with similar properties. This variant has been identified in the homozygous state and/or in conjunction with other CFTR variant(s) in individual(s) with features consistent with cystic fibrosis (Kerem BS et al. Proc. Natl. Acad. Sci. U.S.A., 1990 Nov;87:8447-51; Kristidis P et al. Am. J. Hum. Genet., 1992 Jun;50:1178-84). In functional studies, this variant resulted in an overall decrease in chloride channel activity and to produce less mature glycosylated protein (Champigny G et al. EMBO J., 1995 Jun;14:2417-23; Sheppard DN et al. EMBO J., 1995 Mar;14:876-83; Raraigh KS et al. Am. J. Hum. Genet., 2018 06;102:1062-1077). This amino acid position is highly conserved in available vertebrate species. In addition, this alteration is predicted to be deleterious by in silico analysis. Based on the majority of available evidence to date, this variant is likely to be pathogenic.

Natera, Inc.
Classification: Pathogenic for CFTR-related disorders. Last evaluated: 2025-09-11. Review status: criteria provided, single submitter. Criteria: Natera Variant Classification Schema (03/2026). Collection method: clinical testing. Allele origin: germline. Not counted in ClinVar's aggregate classification.
Comment: The c.1721C>A variant in CFTR is a missense variant predicted to cause substitution of proline to histidine at amino acid 574. This variant is rare in the general population with a frequency below the threshold expected for the associated phenotype(s). This variant has been observed in one or more individuals affected with the associated recessive disease, as either homozygous or compound heterozygous with a second variant (PMID: 12454843, 36437230, 31916691, 10923036). Computational prediction algorithms indicate this variant is likely to affect gene or protein function. Given the available evidence, this variant is classified as Pathogenic.

Baylor Genetics
Classification: Pathogenic for Bronchiectasis with or without elevated sweat chloride 1. Last evaluated: 2024-02-27. Review status: criteria provided, single submitter. Criteria: ACMG Guidelines, 2015. Collection method: clinical testing. Allele origin: unknown. Not counted in ClinVar's aggregate classification.

Labcorp Genetics (formerly Invitae), Labcorp
Classification: Pathogenic for Cystic fibrosis. Last evaluated: 2023-07-21. Review status: criteria provided, single submitter. Criteria: Invitae Variant Classification Sherloc (09022015). Collection method: clinical testing. Allele origin: germline. Not counted in ClinVar's aggregate classification.
Comment: This sequence change replaces proline, which is neutral and non-polar, with histidine, which is basic and polar, at codon 574 of the CFTR protein (p.Pro574His). This variant is present in population databases (rs121908758, gnomAD 0.002%). This missense change has been observed in individuals with cystic fibrosis and congenital bilateral absence of vas deferens (PMID: 2236053, 9239681, 10923036). ClinVar contains an entry for this variant (Variation ID: 7119). Advanced modeling of protein sequence and biophysical properties (such as structural, functional, and spatial information, amino acid conservation, physicochemical variation, residue mobility, and thermodynamic stability) performed at Invitae indicates that this missense variant is expected to disrupt CFTR protein function. Experimental studies have shown that this missense change affects CFTR function (PMID: 21594800, 29805046). For these reasons, this variant has been classified as Pathogenic.

Fulgent Genetics
Classification: Likely pathogenic for Hereditary pancreatitis; Bronchiectasis with or without elevated sweat chloride 1; Cystic fibrosis; Congenital bilateral aplasia of vas deferens from CFTR mutation. Last evaluated: 2022-01-24. Review status: criteria provided, single submitter. Criteria: ACMG Guidelines, 2015. Collection method: clinical testing. Allele origin: unknown. Not counted in ClinVar's aggregate classification.

Mayo Clinic Laboratories, Mayo Clinic
Classification: Pathogenic. Last evaluated: 2021-09-01. Review status: criteria provided, single submitter. Criteria: ACMG Guidelines, 2015. Collection method: clinical testing. Allele origin: germline. Not counted in ClinVar's aggregate classification.

Women's Health and Genetics/Laboratory Corporation of America, LabCorp
Classification: Pathogenic for Cystic fibrosis. Last evaluated: 2021-06-11. Review status: criteria provided, single submitter. Criteria: LabCorp Variant Classification Summary - May 2015. Collection method: clinical testing. Allele origin: germline. Not counted in ClinVar's aggregate classification.
Comment: Variant summary: CFTR c.1721C>A (p.Pro574His) results in a non-conservative amino acid change located in the ABC transporter-like (IPR003439) of the encoded protein sequence. Five of five in-silico tools predict a damaging effect of the variant on protein function. The variant allele was found at a frequency of 8e-06 in 250350 control chromosomes. c.1721C>A has been reported in compound heterozygosity with another pathogenic variant in multiple individuals affected with Cystic Fibrosis in the literature (e.g. Kerem_1990, McCague_2019, Dadgostar_2021). These data indicate that the variant is very likely to be associated with disease. Several publications report experimental evidence evaluating an impact on protein function (e.g. Champigny_1995, Cai_2011, Raraigh_2018, Han_2018). The most pronounced variant effect results in <10% of normal CFTR activity. Four clinical diagnostic laboratories have submitted clinical-significance assessments for this variant to ClinVar after 2014 without evidence for independent evaluation. All laboratories cited the variant as pathogenic/likely pathogenic. Based on the evidence outlined above, the variant was classified as pathogenic.

Myriad Genetics, Inc.
Classification: Likely pathogenic for Cystic fibrosis. Last evaluated: 2019-12-16. Review status: criteria provided, single submitter. Criteria: Myriad Women's Health Autosomal Recessive and X-Linked Classification Criteria (2019). Collection method: clinical testing. Allele origin: unknown. Not counted in ClinVar's aggregate classification.
Comment: NM_000492.3(CFTR):c.1721C>A(P574H) is classified as likely pathogenic in the context of cystic fibrosis. Sources cited for classification include the following: PMID 16132229, 20059485, 12815607, 10362539, 7534226, 10923036 and 754013. Classification of NM_000492.3(CFTR):c.1721C>A(P574H) is based on the following criteria: This variant has been observed more frequently in patients with clinical diagnoses and is very rare or not present in genetic databases of healthy individuals. Please note: this variant was assessed in the context of healthy population screening.

CFTR-France
Classification: Pathogenic for cystic fibrosis; CFTR-related disorders. Last evaluated: 2018-03-09. Review status: criteria provided, single submitter. Criteria: Claustres M et al. (Hum Mutat 2017). Collection method: curation. Allele origin: germline. Affected: yes. Not counted in ClinVar's aggregate classification.
Comment: when the variant is in trans with another CF-causing variation, can either result in CF or in a CFTR-RD

Baylor Genetics
Classification: Likely pathogenic for Congenital bilateral aplasia of vas deferens from CFTR mutation; Cystic fibrosis. Review status: criteria provided, single submitter. Criteria: ACMG Guidelines, 2015. Collection method: clinical testing. Allele origin: germline. Not counted in ClinVar's aggregate classification.

OMIM
Classification: Pathogenic for CYSTIC FIBROSIS. Last evaluated: 1990-11-01. Review status: no assertion criteria provided. Collection method: literature only. Allele origin: germline. Not counted in ClinVar's aggregate classification.

Baylor Genetics
Classification: Pathogenic for Cystic fibrosis. Review status: no assertion criteria provided. Collection method: clinical testing. Allele origin: unknown. Not counted in ClinVar's aggregate classification.

Literature cited by the submitters: PubMed 1376016 (cited by Ambry Genetics); PubMed 2236053 (cited by 5 submitters); PubMed 29805046 (cited by 4 submitters); PubMed 7534226 (cited by Ambry Genetics and Myriad Genetics, Inc.); PubMed 7540133 (cited by 3 submitters); PubMed 12454843 (cited by Natera, Inc.); PubMed 36437230 (cited by Natera, Inc.); PubMed 31916691 (cited by Natera, Inc. and Women's Health and Genetics/Laboratory Corporation of America, LabCorp); PubMed 10923036 (cited by 3 submitters); PubMed 9239681 (cited by Labcorp Genetics (formerly Invitae), Labcorp); PubMed 21594800 (cited by 3 submitters); PubMed 22658665 (cited by Women's Health and Genetics/Laboratory Corporation of America, LabCorp and Baylor Genetics); PubMed 30046002 (cited by Women's Health and Genetics/Laboratory Corporation of America, LabCorp); PubMed 30888834 (cited by Women's Health and Genetics/Laboratory Corporation of America, LabCorp); PubMed 33686728 (cited by Women's Health and Genetics/Laboratory Corporation of America, LabCorp); PubMed 16132229 (cited by Myriad Genetics, Inc.); PubMed 20059485 (cited by Myriad Genetics, Inc.); PubMed 12815607 (cited by Myriad Genetics, Inc.); PubMed 10362539 (cited by Myriad Genetics, Inc.); PubMed 754013 (cited by Myriad Genetics, Inc.); PubMed 22975760 (cited by Baylor Genetics).